The following is an entry in ClinVar:

NM_015355.4(SUZ12):c.1132G>C (p.Ala378Pro)

Gene: SUZ12 (SUZ12 polycomb repressive complex 2 subunit; plus strand). Cytogenetic location: 17q11.2.
Variant type: single nucleotide variant.
Coding change: c.1132G>C on transcript NM_015355.4 (MANE Select); coding-DNA position 1132, G replaced by C.
Protein change: p.Ala378Pro; replaces alanine 378 with proline.
Molecular consequence: missense variant.
Genome position (GRCh38, 1-based): chr17:31,988,428, G>C. VCF-style: chr17-31988428-G-C. GRCh37 (hg19) VCF-style: chr17-30315447-G-C.
Other names: c.1063G>C, p.Ala355Pro (NM_001321207.2); short protein forms A355P, A378P.
Identifiers: ClinVar variation 3341809 (VCV003341809.16).

ClinVar aggregate classification (germline): Uncertain significance (1 of 4 stars; one submission).

Submission:

CeGaT Center for Human Genetics Tuebingen
Classification: Uncertain significance. Last evaluated: 2024-08-01. Review status: criteria provided, single submitter. Criteria: CeGaT Center For Human Genetics Tuebingen Variant Classification Criteria Version 2. Collection method: clinical testing. Allele origin: germline. Affected: yes. Observed: 1 variant allele.
Comment: SUZ12: PM2